The following is an entry in ClinVar:

NM_015512.5(DNAH1):c.3756C>G (p.Ser1252Arg)

Gene: DNAH1 (dynein axonemal heavy chain 1; plus strand). Cytogenetic location: 3p21.1.
Variant type: single nucleotide variant.
Coding change: c.3756C>G on transcript NM_015512.5 (MANE Select); coding-DNA position 3756, C replaced by G.
Protein change: p.Ser1252Arg; replaces serine 1252 with arginine.
Molecular consequence: missense variant.
Genome position (GRCh38, 1-based): chr3:52,356,676, C>G. VCF-style: chr3-52356676-C-G. GRCh37 (hg19) VCF-style: chr3-52390692-C-G.
Other names: short protein forms S1252R.
Identifiers: ClinVar variation 1448492 (VCV001448492.4), dbSNP rs199502930, ClinGen allele CA2433687.
Genomic context (GRCh38, chr3:52,356,676, plus strand): 5'-GGTTCTGGAGGAGTGGCTGAACTGTCAGCGGTCCTGGCTCTACCTGGAGCCCATCTTTAG[C>G]TCTGAGGACATCAACCAGCAGCTGCCTGTGGAGAGCAAGCGCTACCAGACCATGGAGCGG-3'
Protein context (NP_056327.4, residues 1242-1262): RSWLYLEPIF[Ser1252Arg]SEDINQQLPV

ClinVar aggregate classification (germline): Uncertain significance (1 of 4 stars; one submission).

Conditions:
Spermatogenic failure 18. Identifiers: MedGen C4539783, MONDO:0054615, OMIM 617576.
Ciliary dyskinesia, primary, 37 (CILD37). Also called: CILIARY DYSKINESIA, PRIMARY, 37, WITH OR WITHOUT SITUS INVERSUS. Identifiers: MedGen C4539798, MONDO:0033204, OMIM 617577.

Allele frequency attached by ClinVar (database versions not stated): ExAC 0.00009; 1000 Genomes Project 30x 0.00016; 1000 Genomes Project 0.00020; gnomAD 0.00035 and 0.00037; TOPMed 0.00037; ESP Exome Variant Server 0.00040.
gnomAD v4.1: 104 of 1,613,946 alleles (0.0064%); highest among the groups gnomAD compares: African/African-American, 0.13%; 1 homozygote.

Submissions (2):

Labcorp Genetics (formerly Invitae), Labcorp
Classification: Uncertain significance for Ciliary dyskinesia, primary, 37; Spermatogenic failure 18. Last evaluated: 2022-04-11. Review status: criteria provided, single submitter. Criteria: Invitae Variant Classification Sherloc (09022015). Collection method: clinical testing. Allele origin: germline.
Comment: This sequence change replaces serine, which is neutral and polar, with arginine, which is basic and polar, at codon 1252 of the DNAH1 protein (p.Ser1252Arg). This variant is present in population databases (rs199502930, gnomAD 0.1%). This variant has not been reported in the literature in individuals affected with DNAH1-related conditions. Algorithms developed to predict the effect of missense changes on protein structure and function (SIFT, PolyPhen-2, Align-GVGD) all suggest that this variant is likely to be tolerated. Algorithms developed to predict the effect of sequence changes on RNA splicing suggest that this variant may create or strengthen a splice site. In summary, the available evidence is currently insufficient to determine the role of this variant in disease. Therefore, it has been classified as a Variant of Uncertain Significance.

Dr. Peter K. Rogan Lab, Western University
No classification provided (evidence only). Condition: Cervical cancer. Review status: no classification provided. Collection method: in vitro. Allele origin: not applicable. Functional consequence: retained intron. Not counted in ClinVar's aggregate classification.